The following is an entry in ClinVar:

NM_144973.4(DENND5B):c.746G>T (p.Gly249Val)

Gene: DENND5B (DENN domain containing 5B; minus strand). Cytogenetic location: 12p11.21.
Variant type: single nucleotide variant.
Coding change: c.746G>T on transcript NM_144973.4 (MANE Select); coding-DNA position 746, G replaced by T.
Protein change: p.Gly249Val; replaces glycine 249 with valine.
Molecular consequence: missense variant. On other transcripts: intron variant (1).
Genome position (GRCh38, 1-based): chr12:31,479,747, C>A on the plus strand (G>T on the coding strand, the complement: DENND5B is on the minus strand). VCF-style: chr12-31479747-C-A. GRCh37 (hg19) VCF-style: chr12-31632681-C-A.
Other names: c.851G>T, p.Gly284Val (NM_001308339.2); c.812G>T, p.Gly271Val (NM_001366890.1, NM_001366893.1); c.746G>T, p.Gly249Val (NM_001366892.1); c.373+373G>T (NM_001366891.1); short protein forms G249V, G271V, G284V.
Identifiers: ClinVar variation 3383805 (VCV003383805.1).

ClinVar aggregate classification (germline): Uncertain significance (1 of 4 stars; one submission).

gnomAD v4.1: 7 of 1,603,714 alleles (0.00044%); highest among the groups gnomAD compares: Non-Finnish European, 0.0006%; no homozygotes.

Submission:

GeneDx
Classification: Uncertain significance. Last evaluated: 2024-05-29. Review status: criteria provided, single submitter. Criteria: GeneDx Variant Classification Process June 2021. Collection method: clinical testing. Allele origin: germline. Affected: yes.
Comment: Not observed at significant frequency in large population cohorts (gnomAD); In silico analysis supports that this missense variant has a deleterious effect on protein structure/function; Has not been previously published as pathogenic or benign to our knowledge